The following is an entry in ClinVar:

ClinVar aggregate classification (germline): Pathogenic (1 of 4 stars; one submission).

Submission:

Labcorp Genetics (formerly Invitae), Labcorp
Classification: Pathogenic. Last evaluated: 2023-03-29. Review status: criteria provided, single submitter. Criteria: Invitae Variant Classification Sherloc (09022015). Collection method: clinical testing. Allele origin: germline.
Comment: For these reasons, this variant has been classified as Pathogenic. This variant has not been reported in the literature in individuals affected with FRAS1-related conditions. This variant is present in population databases (no rsID available, gnomAD 0.007%). This sequence change creates a premature translational stop signal (p.Cys718Phefs*10) in the FRAS1 gene. It is expected to result in an absent or disrupted protein product. Loss-of-function variants in FRAS1 are known to be pathogenic (PMID: 12766769, 18671281).

Literature cited by the submitters: PubMed 12766769; PubMed 18671281.

NM_025074.7(FRAS1):c.2153_2154del (p.Cys718fs)

Gene: FRAS1 (Fraser extracellular matrix complex subunit 1; plus strand). Cytogenetic location: 4q21.21.
Variant type: Deletion.
Coding change: c.2153_2154del on transcript NM_025074.7 (MANE Select); coding-DNA positions 2153 to 2154, 2 bases deleted (GT; older notation c.2153_2154delGT).
Protein change: p.Cys718fs; shifts the reading frame from cysteine 718.
Molecular consequence: frameshift variant.
Genome position (GRCh38, 1-based): chr4:78,333,287-78,333,288, GT deleted; deleting any 2 consecutive bases within chr4:78,333,286-78,333,288 gives the same sequence; the c. name uses the placement nearest the transcript's 3' end. VCF-style (leftmost placement, unchanged base first): chr4-78333285-CTG-C. GRCh37 (hg19) VCF-style: chr4-79254439-CTG-C.
Other names: c.2153_2154del, p.Cys718fs (NM_001166133.2); short protein forms C718fs.
Identifiers: ClinVar variation 2886927 (VCV002886927.3), dbSNP rs1281391844, ClinGen allele CA552630134.